The following is an entry in ClinVar:

ClinVar aggregate classification (germline): Uncertain significance. Review status: criteria provided, multiple submitters, no conflicts (2 of 4 stars). 2 submissions from 2 submitters: Uncertain significance (2). Last evaluated 2024-07-15.

Allele frequency attached by ClinVar (database versions not stated): gnomAD 0.00001; TOPMed 0.00001.
gnomAD v4.1: 9 of 1,537,438 alleles (0.00059%); highest among the groups gnomAD compares: Non-Finnish European, 0.00078%; no homozygotes.

Submissions (2):

Labcorp Genetics (formerly Invitae), Labcorp
Classification: Uncertain significance. Last evaluated: 2024-07-15. Review status: criteria provided, single submitter. Criteria: Invitae Variant Classification Sherloc (09022015). Collection method: clinical testing. Allele origin: germline.
Comment: This sequence change replaces proline, which is neutral and non-polar, with serine, which is neutral and polar, at codon 440 of the RASA2 protein (p.Pro440Ser). This variant is present in population databases (no rsID available, gnomAD 0.001%). This variant has not been reported in the literature in individuals affected with RASA2-related conditions. ClinVar contains an entry for this variant (Variation ID: 2170416). Advanced modeling of protein sequence and biophysical properties (such as structural, functional, and spatial information, amino acid conservation, physicochemical variation, residue mobility, and thermodynamic stability) performed at Invitae indicates that this missense variant is not expected to disrupt RASA2 protein function with a negative predictive value of 80%. In summary, the available evidence is currently insufficient to determine the role of this variant in disease. Therefore, it has been classified as a Variant of Uncertain Significance.

Ambry Genetics
Classification: Uncertain significance. Last evaluated: 2024-03-30. Review status: criteria provided, single submitter. Criteria: Ambry Variant Classification Scheme 2023. Collection method: clinical testing. Allele origin: germline.
Comment: The p.P440S variant (also known as c.1318C>T), located in coding exon 13 of the RASA2 gene, results from a C to T substitution at nucleotide position 1318. The proline at codon 440 is replaced by serine, an amino acid with similar properties. This amino acid position is conserved. In addition, this alteration is predicted to be deleterious by in silico analysis. Based on the available evidence, the clinical significance of this alteration remains unclear.

NM_006506.5(RASA2):c.1318C>T (p.Pro440Ser)

Gene: RASA2 (RAS p21 protein activator 2; plus strand). Cytogenetic location: 3q23.
Variant type: single nucleotide variant.
Coding change: c.1318C>T on transcript NM_006506.5 (MANE Select); coding-DNA position 1318, C replaced by T.
Protein change: p.Pro440Ser; replaces proline 440 with serine.
Molecular consequence: missense variant.
Genome position (GRCh38, 1-based): chr3:141,573,180, C>T. VCF-style: chr3-141573180-C-T. GRCh37 (hg19) VCF-style: chr3-141292022-C-T.
Other names: c.1318C>T (NM_006506.2); c.1318C>T, p.Pro440Ser (NM_001303245.3, NM_001303246.3); short protein forms P440S.
Identifiers: ClinVar variation 2170416 (VCV002170416.5), dbSNP rs1356235928, ClinGen allele CA354778299.